The following is an entry in ClinVar:

ClinVar aggregate classification (germline): Pathogenic. Review status: criteria provided, multiple submitters, no conflicts (2 of 4 stars). 3 submissions from 3 submitters: Pathogenic (2). 1 of the submissions does not count toward it. Last evaluated 2025-12-16.

Conditions:
Fanconi anemia (FA). Also called: Fanconi's anemia. Identifiers: Orphanet 84, MedGen C0015625, MeSH D005199, MONDO:0019391.
Fanconi anemia complementation group A (FANCA). Also called: FANCA-Related Fanconi Anemia; Fanconi anemia, group A. Identifiers: Orphanet 84, MedGen C3469521, MONDO:0009215, OMIM 227650.

Allele frequency attached by ClinVar (database versions not stated): gnomAD exomes below 0.00001.
gnomAD v4.1: 2 of 1,613,990 alleles (0.00012%); highest among the groups gnomAD compares: South Asian, 0.0011%; no homozygotes.

Submissions (3):

Labcorp Genetics (formerly Invitae), Labcorp
Classification: Pathogenic for Fanconi anemia. Last evaluated: 2025-12-16. Review status: criteria provided, single submitter. Criteria: Invitae Variant Classification Sherloc (09022015). Collection method: clinical testing. Allele origin: germline.
Comment: This sequence change creates a premature translational stop signal (p.Gln264*) in the FANCA gene. It is expected to result in an absent or disrupted protein product. Loss-of-function variants in FANCA are known to be pathogenic (PMID: 19367192). This variant is present in population databases (no rsID available, gnomAD 0.003%). This premature translational stop signal has been observed in individual(s) with autosomal recessive Fanconi Anemia (PMID: 9399890, 24584348). ClinVar contains an entry for this variant (Variation ID: 648985). Algorithms developed to predict the effect of sequence changes on RNA splicing suggest that this variant may disrupt the consensus splice site. For these reasons, this variant has been classified as Pathogenic.

Baylor Genetics
Classification: Pathogenic for Fanconi anemia complementation group A. Last evaluated: 2024-03-02. Review status: criteria provided, single submitter. Criteria: ACMG Guidelines, 2015. Collection method: clinical testing. Allele origin: unknown.

Leiden Open Variation Database
Classification: Pathogenic for Fanconi anemia complementation group A. Last evaluated: 2020-02-28. Review status: no assertion criteria provided. Collection method: curation. Allele origin: germline. Affected: yes. Not counted in ClinVar's aggregate classification.
Comment: Curator: Arleen D. Auerbach. Submitters to LOVD: Arleen D. Auerbach, Johan de Winter, Sue Richards.

Literature cited by the submitters: PubMed 19367192 (cited by Labcorp Genetics (formerly Invitae), Labcorp); PubMed 9399890 (cited by Labcorp Genetics (formerly Invitae), Labcorp); PubMed 24584348 (cited by Labcorp Genetics (formerly Invitae), Labcorp); PubMed 09399890 (cited by Leiden Open Variation Database); PubMed 12955722 (cited by Leiden Open Variation Database); PubMed 17924555 (cited by Leiden Open Variation Database).

NM_000135.4(FANCA):c.790C>T (p.Gln264Ter)

Gene: FANCA (FA complementation group A; minus strand). Cytogenetic location: 16q24.3.
Variant type: single nucleotide variant.
Coding change: c.790C>T on transcript NM_000135.4 (MANE Select); coding-DNA position 790, C replaced by T.
Protein change: p.Gln264Ter; replaces glutamine 264 with a stop codon.
Molecular consequence: nonsense.
Genome position (GRCh38, 1-based): chr16:89,803,261, G>A on the plus strand (C>T on the coding strand, the complement: FANCA is on the minus strand). VCF-style: chr16-89803261-G-A. GRCh37 (hg19) VCF-style: chr16-89869669-G-A.
Other names: c.790C>T (LRG_495t1); c.790C>T, p.Gln264Ter (NM_001018112.3, NM_001286167.3); c.694C>T, p.Gln232Ter (NM_001351830.2); short protein forms Q232*, Q264*.
Identifiers: ClinVar variation 648985 (VCV000648985.9), dbSNP rs1353992080, ClinGen allele CA397475854.